The following is an entry in ClinVar:

NM_012213.3(MLYCD):c.837GAA[1] (p.Lys280del)

Genes: MLYCD (malonyl-CoA decarboxylase; plus strand), LOC126862422 (CDK7 strongly-dependent group 2 enhancer GRCh37_chr16:83945234-83946433; plus strand). Cytogenetic location: 16q23.3.
Variant type: Microsatellite.
Coding change: c.837GAA[1] on transcript NM_012213.3 (MANE Select); one copy of the 3-base unit GAA starting at c.837; the reference has two copies in a row; one copy, 3 bases deleted.
Protein change: p.Lys280del; deletes lysine 280.
Molecular consequence: inframe deletion.
Genome position (GRCh38, 1-based): chr16:83,912,259-83,912,261, GAA deleted; deleting any 3 consecutive bases within chr16:83,912,255-83,912,261 gives the same sequence; the position shown is the placement nearest the transcript's 3' end. VCF-style (leftmost placement, unchanged base first): chr16-83912254-GAGA-G. GRCh37 (hg19) VCF-style: chr16-83945859-GAGA-G.
Other names: short protein forms K280del.
Identifiers: ClinVar variation 2717945 (VCV002717945.4), dbSNP rs781143051, ClinGen allele CA8197409.

ClinVar aggregate classification (germline): Uncertain significance. Review status: criteria provided, multiple submitters, no conflicts (2 of 4 stars). 2 submissions from 2 submitters: Uncertain significance (2). Last evaluated 2025-10-23.

Conditions:
Deficiency of malonyl-CoA decarboxylase. Also called: Malonic aciduria; MCD deficiency. Identifiers: Orphanet 943, MedGen C0342793, MONDO:0009556, OMIM 248360.

Submissions (2):

Labcorp Genetics (formerly Invitae), Labcorp
Classification: Uncertain significance for Deficiency of malonyl-CoA decarboxylase. Last evaluated: 2025-10-23. Review status: criteria provided, single submitter. Criteria: Invitae Variant Classification Sherloc (09022015). Collection method: clinical testing. Allele origin: germline.
Comment: This variant, c.840_842del, results in the deletion of 1 amino acid(s) of the MLYCD protein (p.Lys280del), but otherwise preserves the integrity of the reading frame. This variant is present in population databases (rs781143051, gnomAD 0.01%). This variant has not been reported in the literature in individuals affected with MLYCD-related conditions. ClinVar contains an entry for this variant (Variation ID: 2717945). Experimental studies and prediction algorithms are not available or were not evaluated, and the functional significance of this variant is currently unknown. In summary, the available evidence is currently insufficient to determine the role of this variant in disease. Therefore, it has been classified as a Variant of Uncertain Significance.

Department of Pathology and Laboratory Medicine, Sinai Health System
Classification: Uncertain significance for Deficiency of malonyl-CoA decarboxylase. Last evaluated: 2021-09-25. Review status: criteria provided, single submitter. Criteria: ACMG Guidelines, 2015. Collection method: research. Allele origin: germline.